The following is an entry in ClinVar:

ClinVar aggregate classification (germline): Uncertain significance (1 of 4 stars; one submission).

Conditions:
Channelopathy-associated congenital insensitivity to pain, autosomal recessive. Also called: Insensitivity to pain, channelopathy-associated; ASYMBOLIA FOR PAIN; CONGENITAL ANALGESIA, AUTOSOMAL RECESSIVE. Identifiers: Orphanet 88642, Orphanet 970, MedGen C1855739, MONDO:0009459, OMIM 243000.

Submission:

Department of Human Genetics, Hannover Medical School
Classification: Uncertain significance for Channelopathy-associated congenital insensitivity to pain, autosomal recessive. Last evaluated: 2025-01-27. Review status: criteria provided, single submitter. Criteria: ACMG Guidelines, 2015. Collection method: clinical testing. Allele origin: germline.
Comment: ACMG: PM2_Supporting, PP3_Moderate

NM_001365536.1(SCN9A):c.4516G>A (p.Gly1506Arg)

Genes: SCN9A (sodium voltage-gated channel alpha subunit 9; minus strand), SCN1A-AS1 (SCN1A and SCN9A antisense RNA 1; plus strand). Cytogenetic location: 2q24.3.
Variant type: single nucleotide variant.
Coding change: c.4516G>A on transcript NM_001365536.1 (MANE Select); coding-DNA position 4516, G replaced by A.
Protein change: p.Gly1506Arg; replaces glycine 1506 with arginine.
Molecular consequence: missense variant.
Genome position (GRCh38, 1-based): chr2:166,204,213, C>T on the plus strand (G>A on the coding strand, the complement: SCN9A is on the minus strand). VCF-style: chr2-166204213-C-T. GRCh37 (hg19) VCF-style: chr2-167060723-C-T.
Other names: c.4483G>A, p.Gly1495Arg (NM_002977.4); short protein forms G1495R, G1506R.
Identifiers: ClinVar variation 3600318 (VCV003600318.1).
Genomic context (GRCh38, chr2:166,204,213, plus strand): 5'-AGATAAGAACCATGATACTAATATCAAAGGCTTGATTTGTCACTAGGTCAAATATACATC[C>T]TTGGATTTTGTTCTGCAAAGAAATAAGAATAATATCGAATGCAGAGTAAACTTTTCAAGT-3'
Protein context (NP_001352465.1, residues 1496-1516): PIPRPGNKIQ[Gly1506Arg]CIFDLVTNQA